The following is an entry in ClinVar:

NM_001401501.2(MUC16):c.38763C>A (p.Leu12921=)

Gene: MUC16 (mucin 16, cell surface associated; minus strand). Cytogenetic location: 19p13.2.
Variant type: single nucleotide variant.
Coding change: c.38763C>A on transcript NM_001401501.2 (MANE Select); coding-DNA position 38763, C replaced by A.
Protein change: p.Leu12921=; no amino-acid change (leucine 12921 retained).
Molecular consequence: synonymous variant.
Genome position (GRCh38, 1-based): chr19:8,902,191, G>T on the plus strand (C>A on the coding strand, the complement: MUC16 is on the minus strand). VCF-style: chr19-8902191-G-T. GRCh37 (hg19) VCF-style: chr19-9012867-G-T.
Other names: c.39189C>A, p.Leu13063= (NM_001414686.1); c.38643C>A, p.Leu12881= (NM_001414687.1); c.38577C>A, p.Leu12859= (NM_024690.2).
Identifiers: ClinVar variation 3055646 (VCV003055646.2), dbSNP rs202204633, ClinGen allele CA9164486.

ClinVar aggregate classification (germline): Likely benign (0 of 4 stars; one submission).

Conditions:
MUC16-related disorder. Also called: MUC16-related condition.

Allele frequency attached by ClinVar (database versions not stated): gnomAD 0.00087; ExAC 0.01585.

Submission:

PreventionGenetics, part of Exact Sciences
Classification: Likely benign for MUC16-related condition. Last evaluated: 2019-02-20. Review status: no assertion criteria provided. Collection method: clinical testing. Allele origin: germline.
Comment: This variant is classified as likely benign based on ACMG/AMP sequence variant interpretation guidelines (Richards et al. 2015 PMID: 25741868, with internal and published modifications).